The following is an entry in ClinVar:

NM_015836.4(WARS2):c.193G>T (p.Glu65Ter)

Gene: WARS2 (tryptophanyl tRNA synthetase 2, mitochondrial; minus strand). Cytogenetic location: 1p12.
Variant type: single nucleotide variant.
Coding change: c.193G>T on transcript NM_015836.4 (MANE Select); coding-DNA position 193, G replaced by T.
Protein change: p.Glu65Ter; replaces glutamic acid 65 with a stop codon.
Molecular consequence: nonsense. On other transcripts: 5 prime UTR variant (1), intron variant (2).
Genome position (GRCh38, 1-based): chr1:119,076,505, C>A on the plus strand (G>T on the coding strand, the complement: WARS2 is on the minus strand). VCF-style: chr1-119076505-C-A. GRCh37 (hg19) VCF-style: chr1-119619128-C-A.
Other names: c.124G>T, p.Glu42Ter (NM_001378226.1, NM_001378227.1); c.-90G>T (NM_001378230.1); c.193G>T, p.Glu65Ter (NM_001378231.1, NM_201263.2); c.91-30843G>T (NM_001378229.1); c.177+16G>T (NM_001378228.1); short protein forms E42*, E65*.
Identifiers: ClinVar variation 1346529 (VCV001346529.6), dbSNP rs2101319201, ClinGen allele CA341438232.

ClinVar aggregate classification (germline): Uncertain significance (1 of 4 stars; one submission).

Submission:

Labcorp Genetics (formerly Invitae), Labcorp
Classification: Uncertain significance. Last evaluated: 2020-11-12. Review status: criteria provided, single submitter. Criteria: Invitae Variant Classification Sherloc (09022015). Collection method: clinical testing. Allele origin: germline.
Comment: This sequence change creates a premature translational stop signal (p.Glu65*) in the WARS2 gene. It is expected to result in an absent or disrupted protein product. However, the current clinical and genetic evidence is not sufficient to establish whether loss-of-function variants in WARS2 cause disease. This variant is not present in population databases (ExAC no frequency). This variant has not been reported in the literature in individuals with WARS2-related conditions. In summary, the available evidence is currently insufficient to determine the role of this variant in disease. Therefore, it has been classified as a Variant of Uncertain Significance.